The following is an entry in ClinVar:

NM_000088.4(COL1A1):c.2059del (p.Val687fs)

Gene: COL1A1 (collagen type I alpha 1 chain; minus strand). Cytogenetic location: 17q21.33.
Variant type: Deletion.
Coding change: c.2059del on transcript NM_000088.4 (MANE Select); coding-DNA position 2059, one base deleted (G; older notation c.2059delG).
Protein change: p.Val687fs; shifts the reading frame from valine 687.
Molecular consequence: frameshift variant.
Genome position (GRCh38, 1-based): chr17:50,191,856, C deleted on the plus strand (G on the coding strand, the reverse complement: COL1A1 is on the minus strand). VCF-style (leftmost placement, unchanged base first): chr17-50191855-AC-A. GRCh37 (hg19) VCF-style: chr17-48269216-AC-A.
Other names: short protein forms V687fs.
Identifiers: ClinVar variation 3661408 (VCV003661408.2).

ClinVar aggregate classification (germline): Pathogenic (1 of 4 stars; one submission).

Conditions:
Osteogenesis imperfecta type I (OI1). Also called: Lobstein's Disease; Lobstein disease; Classic Non-deforming Osteogenesis Imperfecta with Blue Sclerae; OI, TYPE I; OSTEOGENESIS IMPERFECTA TARDA; OSTEOGENESIS IMPERFECTA WITH BLUE SCLERAE. Identifiers: Orphanet 216796, Orphanet 666, MedGen C0023931, MONDO:0008146, OMIM 166200. Disease mechanism: loss of function.

Submission:

Labcorp Genetics (formerly Invitae), Labcorp
Classification: Pathogenic for Osteogenesis imperfecta type I. Last evaluated: 2024-08-04. Review status: criteria provided, single submitter. Criteria: Invitae Variant Classification Sherloc (09022015). Collection method: clinical testing. Allele origin: germline.
Comment: This sequence change creates a premature translational stop signal (p.Val687Cysfs*79) in the COL1A1 gene. It is expected to result in an absent or disrupted protein product. Loss-of-function variants in COL1A1 are known to be pathogenic (PMID: 7942841, 9295084, 9443882). This variant is not present in population databases (gnomAD no frequency). This variant has not been reported in the literature in individuals affected with COL1A1-related conditions. For these reasons, this variant has been classified as Pathogenic.

Literature cited by the submitters: PubMed 7942841; PubMed 9295084; PubMed 9443882.